The following is an entry in ClinVar:

ClinVar aggregate classification (germline): Pathogenic (1 of 4 stars; one submission).

Submission:

Labcorp Genetics (formerly Invitae), Labcorp
Classification: Pathogenic. Last evaluated: 2021-07-24. Review status: criteria provided, single submitter. Criteria: Invitae Variant Classification Sherloc (09022015). Collection method: clinical testing. Allele origin: germline.
Comment: This sequence change creates a premature translational stop signal (p.Cys1121Trpfs*42) in the EYS gene. It is expected to result in an absent or disrupted protein product. Loss-of-function variants in EYS are known to be pathogenic (PMID: 18836446, 20333770). This variant is not present in population databases (ExAC no frequency). This variant has not been reported in the literature in individuals affected with EYS-related conditions. For these reasons, this variant has been classified as Pathogenic.

Literature cited by the submitters: PubMed 18836446; PubMed 20333770.

NM_001142800.2(EYS):c.3363del (p.Cys1121fs)

Gene: EYS (EGF-like photoreceptor maintenance factor; minus strand). Cytogenetic location: 6q12.
Variant type: Deletion.
Coding change: c.3363del on transcript NM_001142800.2 (MANE Select); coding-DNA position 3363, one base deleted (T; older notation c.3363delT).
Protein change: p.Cys1121fs; shifts the reading frame from cysteine 1121.
Molecular consequence: frameshift variant.
Genome position (GRCh38, 1-based): chr6:64,813,458, A deleted on the plus strand (T on the coding strand, the reverse complement: EYS is on the minus strand). VCF-style (leftmost placement, unchanged base first): chr6-64813457-CA-C. GRCh37 (hg19) VCF-style: chr6-65523350-CA-C.
Other names: c.3363del, p.Cys1121fs (NM_001292009.2); short protein forms C1121fs.
Identifiers: ClinVar variation 1458094 (VCV001458094.6), dbSNP rs2150016153, ClinGen allele CA2573141018.
Genomic context (GRCh38, chr6:64,813,457, plus strand): 5'-CAGGCCCATCAACACAGATCCCTCCATTAAGACAGATGACTGAATTAAGTTCAGGCTCAG[CA>C]CAATTATCAATGCTTTTTTCACAGTATGCACCAGTGTATCCACGTGGGCAAATGCAAGTA-3'